The following is an entry in ClinVar:

NM_025059.4(CCDC170):c.*566C>T

Gene: CCDC170 (coiled-coil domain containing 170; plus strand). Cytogenetic location: 6q25.1.
Variant type: single nucleotide variant.
Coding change: c.*566C>T on transcript NM_025059.4 (MANE Select); 566 bases downstream of the stop codon, C replaced by T.
Molecular consequence: 3 prime UTR variant.
Genome position (GRCh38, 1-based): chr6:151,618,713, C>T. VCF-style: chr6-151618713-C-T. GRCh37 (hg19) VCF-style: chr6-151939848-C-T.
Identifiers: ClinVar variation 1263708 (VCV001263708.2), dbSNP rs9383935, ClinGen allele CA12308667.

ClinVar aggregate classification (germline): Benign (1 of 4 stars; one submission).

Allele frequency attached by ClinVar (database versions not stated): gnomAD exomes 0.05374; gnomAD 0.06943 and 0.07261; TOPMed 0.07674; 1000 Genomes Project 30x 0.09978; 1000 Genomes Project 0.10443.
gnomAD v4.1: 11,231 of 155,362 alleles (7.2%); highest among the groups gnomAD compares: East Asian, 30%; 596 homozygotes.

Submission:

GeneDx
Classification: Benign. Last evaluated: 2020-02-17. Review status: criteria provided, single submitter. Criteria: GeneDx Variant Classification Process June 2021. Collection method: clinical testing. Allele origin: germline. Affected: yes.
Comment: This variant is associated with the following publications: (PMID: 25116933)